The following is an entry in ClinVar:

NM_001042492.3(NF1):c.7685G>T (p.Gly2562Val)

Gene: NF1 (neurofibromin 1; plus strand). Cytogenetic location: 17q11.2.
Variant type: single nucleotide variant.
Coding change: c.7685G>T on transcript NM_001042492.3 (MANE Select); coding-DNA position 7685, G replaced by T.
Protein change: p.Gly2562Val; replaces glycine 2562 with valine.
Molecular consequence: missense variant.
Genome position (GRCh38, 1-based): chr17:31,356,529, G>T. VCF-style: chr17-31356529-G-T. GRCh37 (hg19) VCF-style: chr17-29683547-G-T.
Other names: c.7622G>T, p.Gly2541Val (NM_000267.4); short protein forms G2541V, G2562V.
Identifiers: ClinVar variation 1001908 (VCV001001908.6), dbSNP rs2070274448, ClinGen allele CA399018129.

ClinVar aggregate classification (germline): Uncertain significance. Review status: criteria provided, multiple submitters, no conflicts (2 of 4 stars). 2 submissions from 2 submitters: Uncertain significance (2). Last evaluated 2023-11-13.

Conditions:
Neurofibromatosis, type 1 (NF1). Also called: NEUROFIBROMATOSIS, TYPE I, SOMATIC; Peripheral type neurofibromatosis; VON RECKLINGHAUSEN DISEASE; Neurofibromatosis, type I. Identifiers: Orphanet 636, MedGen C0027831, MONDO:0018975, OMIM 162200. Disease mechanism: loss of function.
Hereditary cancer-predisposing syndrome. Also called: Hereditary neoplastic syndrome; Neoplastic Syndromes, Hereditary; Tumor predisposition; Hereditary Cancer Syndrome. Identifiers: Orphanet 140162, MedGen C0027672, MeSH D009386, MONDO:0015356.
Cardiovascular phenotype. Identifiers: MedGen CN230736.

Submissions (2):

Labcorp Genetics (formerly Invitae), Labcorp
Classification: Uncertain significance for Neurofibromatosis, type 1. Last evaluated: 2023-11-13. Review status: criteria provided, single submitter. Criteria: Invitae Variant Classification Sherloc (09022015). Collection method: clinical testing. Allele origin: germline.
Comment: This sequence change replaces glycine, which is neutral and non-polar, with valine, which is neutral and non-polar, at codon 2541 of the NF1 protein (p.Gly2541Val). This variant is not present in population databases (gnomAD no frequency). This variant has not been reported in the literature in individuals affected with NF1-related conditions. ClinVar contains an entry for this variant (Variation ID: 1001908). Advanced modeling of protein sequence and biophysical properties (such as structural, functional, and spatial information, amino acid conservation, physicochemical variation, residue mobility, and thermodynamic stability) has been performed at Invitae for this missense variant, however the output from this modeling did not meet the statistical confidence thresholds required to predict the impact of this variant on NF1 protein function. In summary, the available evidence is currently insufficient to determine the role of this variant in disease. Therefore, it has been classified as a Variant of Uncertain Significance.

Ambry Genetics
Classification: Uncertain significance for Cardiovascular phenotype; Hereditary cancer-predisposing syndrome. Last evaluated: 2023-09-05. Review status: criteria provided, single submitter. Criteria: Ambry Variant Classification Scheme 2023. Collection method: clinical testing. Allele origin: germline.
Comment: The p.G2541V variant (also known as c.7622G>T), located in coding exon 51 of the NF1 gene, results from a G to T substitution at nucleotide position 7622. The glycine at codon 2541 is replaced by valine, an amino acid with dissimilar properties. This amino acid position is highly conserved in available vertebrate species. In addition, the in silico prediction for this alteration is inconclusive. Since supporting evidence is limited at this time, the clinical significance of this alteration remains unclear.